The following is an entry in ClinVar:

NM_001165963.4(SCN1A):c.4094G>A (p.Gly1365Asp)

Genes: SCN1A (sodium voltage-gated channel alpha subunit 1; minus strand), LOC102724058 (uncharacterized LOC102724058; plus strand). Cytogenetic location: 2q24.3.
Variant type: single nucleotide variant.
Coding change: c.4094G>A on transcript NM_001165963.4 (MANE Select); coding-DNA position 4094, G replaced by A.
Protein change: p.Gly1365Asp; replaces glycine 1365 with aspartic acid.
Molecular consequence: missense variant. On other transcripts: non-coding transcript variant (1).
Genome position (GRCh38, 1-based): chr2:166,002,662, C>T on the plus strand (G>A on the coding strand, the complement: SCN1A is on the minus strand). VCF-style: chr2-166002662-C-T. GRCh37 (hg19) VCF-style: chr2-166859172-C-T.
Other names: c.4010G>A, p.Gly1337Asp (NM_001165964.3, NM_001353957.2, NM_001353958.2); c.4094G>A, p.Gly1365Asp (NM_001202435.3, NM_001353948.2); c.4061G>A, p.Gly1354Asp (NM_001353949.2, NM_001353950.2, NM_001353951.2 and 2 more transcripts); c.4058G>A, p.Gly1353Asp (NM_001353954.2, NM_001353955.2); c.4007G>A, p.Gly1336Asp (NM_001353960.2); c.1652G>A, p.Gly551Asp (NM_001353961.2); short protein forms G1353D, G551D, G1336D, G1337D, G1354D, G1365D.
Identifiers: ClinVar variation 870417 (VCV000870417.9), dbSNP rs1691073965, ClinGen allele CA349050483.
Genomic context (GRCh38, chr2:166,002,662, plus strand): 5'-AACCTGTCACCAGTTGTGGTGTTAATACAGTGGTAGAATTTGCCAGCAAACAAATTTACG[C>T]CCATGATGCTGAAAATTAGCCAGAATATAAGACAAACCAGAAGCACATTCATGATGGATG-3'
Protein context (NP_001159435.1, residues 1355-1375): LIFWLIFSIM[Gly1365Asp]VNLFAGKFYH

ClinVar aggregate classification (germline): Pathogenic/Likely pathogenic. Review status: criteria provided, multiple submitters, no conflicts (2 of 4 stars). 2 submissions from 2 submitters: Pathogenic (1); Likely pathogenic (1). Last evaluated 2023-07-03.

Conditions:
Early-infantile DEE. Also called: Early infantile epileptic encephalopathy; Early infantile epileptic encephalopathy with suppression bursts; Ohtahara syndrome. Identifiers: Orphanet 1934, MedGen C0393706, MONDO:0800491.
Severe myoclonic epilepsy in infancy (DRVT). Also called: Dravet syndrome; Epileptic encephalopathy, early infantile, 6 (Dravet syndrome); DEVELOPMENTAL AND EPILEPTIC ENCEPHALOPATHY 6A; Severe Myoclonic Epilepsy in Infancy (SMEI); SEVERE MYOCLONIC EPILEPSY OF INFANCY. Identifiers: Orphanet 33069, MedGen C0751122, MONDO:0100135, OMIM 607208.

Submissions (2):

Labcorp Genetics (formerly Invitae), Labcorp
Classification: Likely pathogenic for Early-infantile DEE. Last evaluated: 2023-07-03. Review status: criteria provided, single submitter. Criteria: Invitae Variant Classification Sherloc (09022015). Collection method: clinical testing. Allele origin: germline.
Comment: This sequence change replaces glycine, which is neutral and non-polar, with aspartic acid, which is acidic and polar, at codon 1365 of the SCN1A protein (p.Gly1365Asp). This variant is not present in population databases (gnomAD no frequency). This missense change has been observed in individual(s) with developmental and epileptic encephalopathy (PMID: 32573669; Invitae). ClinVar contains an entry for this variant (Variation ID: 870417). Advanced modeling of protein sequence and biophysical properties (such as structural, functional, and spatial information, amino acid conservation, physicochemical variation, residue mobility, and thermodynamic stability) performed at Invitae indicates that this missense variant is expected to disrupt SCN1A protein function. This variant disrupts the p.Gly1365 amino acid residue in SCN1A. Other variant(s) that disrupt this residue have been observed in individuals with SCN1A-related conditions (PMID: 31001185), which suggests that this may be a clinically significant amino acid residue. In summary, the currently available evidence indicates that the variant is pathogenic, but additional data are needed to prove that conclusively. Therefore, this variant has been classified as Likely Pathogenic.

Victorian Clinical Genetics Services, Murdoch Childrens Research Institute
Classification: Pathogenic for Severe myoclonic epilepsy in infancy. Last evaluated: 2018-06-21. Review status: criteria provided, single submitter. Criteria: ACMG Guidelines, 2015. Collection method: clinical testing. Allele origin: de novo. Affected: yes. Observed: 1 variant allele.
Comment: A heterozygous missense variant, NM_001165963.1(SCN1A):c.4094G>A, has been identified in exon 21 of 26 of the SCN1A gene. The variant is predicted to result in a moderate amino acid change from glycine to aspartic acid at position 1365 of the protein (NP_001159435.1(SCN1A):p.(Gly1365Asp)). The glycine residue at this position has very high conservation (100 vertebrates, UCSC), and is located within the ion transport domain. In silico predictions for this variant are consistently pathogenic (Polyphen, SIFT, CADD, Mutation Taster). The variant is absent in population databases (gnomAD, dbSNP, 1000G), and has previously been reported as a de novo mutation in association with severe myoclonic epilepsy in infancy (SMEI), however, no additional information was provided (SCN1A variant database). A different variant in the same codon resulting in a change to serine has also been reported to cause SMEI (SCN1A variant database). Analysis of parental samples indicated this variant is de novo. Based on the information available at the time of curation, this variant has been classified as PATHOGENIC.

Literature cited by the submitters: PubMed 32573669 (cited by Labcorp Genetics (formerly Invitae), Labcorp); PubMed 31001185 (cited by Labcorp Genetics (formerly Invitae), Labcorp).